The following is an entry in ClinVar:

NM_001035.3(RYR2):c.3594C>T (p.Gly1198=)

Gene: RYR2 (ryanodine receptor 2; plus strand). Cytogenetic location: 1q43.
Variant type: single nucleotide variant.
Coding change: c.3594C>T on transcript NM_001035.3 (MANE Select); coding-DNA position 3594, C replaced by T.
Protein change: p.Gly1198=; no amino-acid change (glycine 1198 retained).
Molecular consequence: synonymous variant.
Genome position (GRCh38, 1-based): chr1:237,569,315, C>T. VCF-style: chr1-237569315-C-T. GRCh37 (hg19) VCF-style: chr1-237732615-C-T.
Other names: c.3594C>T (NM_001035.2).
Identifiers: ClinVar variation 924888 (VCV000924888.10), dbSNP rs185212949, ClinGen allele CA086408.

ClinVar aggregate classification (germline): Likely benign. Review status: criteria provided, multiple submitters, no conflicts (2 of 4 stars). 5 submissions from 5 submitters: Likely benign (5). Last evaluated 2025-04-09.

Conditions:
Cardiovascular phenotype. Identifiers: MedGen CN230736.
Catecholaminergic polymorphic ventricular tachycardia (CVPT). Also called: Catecholamine-induced polymorphic ventricular tachycardia. Identifiers: Orphanet 3286, MedGen C5574922, MONDO:0017990.
Catecholaminergic polymorphic ventricular tachycardia 1. Also called: VENTRICULAR TACHYCARDIA, CATECHOLAMINERGIC POLYMORPHIC, 1, WITH OR WITHOUT ATRIAL DYSFUNCTION AND/OR DILATED CARDIOMYOPATHY; RYR2-Related Catecholaminergic Polymorphic Ventricular Tachycardia; VENTRICULAR TACHYCARDIA, STRESS-INDUCED POLYMORPHIC 1. Identifiers: Orphanet 3286, MedGen C1631597, MONDO:0011484, OMIM 604772.
Cardiomyopathy (CMYO). Also called: Cardiomyopathies. Identifiers: Orphanet 167848, MedGen C0878544, MONDO:0004994, HP:0001638. Inheritance: Various modes of inheritance.

Allele frequency attached by ClinVar (database versions not stated): gnomAD exomes below 0.00001 and 0.00001; gnomAD 0.00001 and 0.00002; TOPMed 0.00001; ExAC 0.00002; 1000 Genomes Project 30x 0.00016; 1000 Genomes Project 0.00020.
gnomAD v4.1: 8 of 1,613,148 alleles (0.0005%); highest among the groups gnomAD compares: East Asian, 0.0022%; no homozygotes.

Submissions (5):

Molecular Diagnostic Laboratory for Inherited Cardiovascular Disease, Montreal Heart Institute
Classification: Likely benign. Last evaluated: 2025-04-09. Review status: criteria provided, single submitter. Criteria: ACMG Guidelines, 2015. Collection method: clinical testing. Allele origin: germline. Affected: no.
Comment: BP7

Ambry Genetics
Classification: Likely benign for Cardiovascular phenotype. Last evaluated: 2024-05-19. Review status: criteria provided, single submitter. Criteria: Ambry Variant Classification Scheme 2023. Collection method: clinical testing. Allele origin: germline.

All of Us Research Program, National Institutes of Health
Classification: Likely benign for Catecholaminergic polymorphic ventricular tachycardia. Last evaluated: 2023-06-26. Review status: criteria provided, single submitter. Criteria: ACMG Guidelines, 2015. Collection method: clinical testing. Allele origin: germline. Inheritance: Autosomal dominant inheritance. Observed: 4 variant alleles, 4 heterozygotes.
Comment: This study involves interpretation of variants in research participants for the purpose of population health screening. Participant phenotype was not available at the time of variant classification. Additional details can be found in publication PMID: 35346344, PMCID: PMC8962531

Labcorp Genetics (formerly Invitae), Labcorp
Classification: Likely benign for Catecholaminergic polymorphic ventricular tachycardia 1. Last evaluated: 2022-04-25. Review status: criteria provided, single submitter. Criteria: Invitae Variant Classification Sherloc (09022015). Collection method: clinical testing. Allele origin: germline.

Color Diagnostics, LLC DBA Color Health
Classification: Likely benign for Cardiomyopathy. Last evaluated: 2018-10-21. Review status: criteria provided, single submitter. Criteria: ACMG Guidelines, 2015. Collection method: clinical testing. Allele origin: germline.